The following is an entry in ClinVar:

NM_012464.5(TLL1):c.713T>C (p.Val238Ala)

Gene: TLL1 (tolloid like 1; plus strand). Cytogenetic location: 4q32.3.
Variant type: single nucleotide variant.
Coding change: c.713T>C on transcript NM_012464.5 (MANE Select); coding-DNA position 713, T replaced by C.
Protein change: p.Val238Ala; replaces valine 238 with alanine.
Molecular consequence: missense variant.
Genome position (GRCh38, 1-based): chr4:166,003,471, T>C. VCF-style: chr4-166003471-T-C. GRCh37 (hg19) VCF-style: chr4-166924623-T-C.
Other names: c.713T>C, p.Val238Ala (NM_001204760.2); short protein forms V238A.
Identifiers: ClinVar variation 4075 (VCV000004075.36), dbSNP rs137852952, ClinGen allele CA116644.

ClinVar aggregate classification (germline): Uncertain significance. Review status: criteria provided, single submitter (1 of 4 stars). 2 submissions from 2 submitters: Uncertain significance (1). 1 of the submissions does not count toward it. Last evaluated 2023-11-01.

Conditions:
Atrial septal defect 6 (ASD6). Identifiers: Orphanet 1478, MedGen C2751315, MONDO:0013123, OMIM 613087.

Allele frequency attached by ClinVar (database versions not stated): ExAC 0.00018; TOPMed 0.00020; gnomAD exomes 0.00021 and 0.00042; gnomAD 0.00025.
gnomAD v4.1: 641 of 1,614,062 alleles (0.04%); highest among the groups gnomAD compares: Non-Finnish European, 0.052%; no homozygotes.

Submissions (2):

CeGaT Center for Human Genetics Tuebingen
Classification: Uncertain significance. Last evaluated: 2023-11-01. Review status: criteria provided, single submitter. Criteria: CeGaT Center For Human Genetics Tuebingen Variant Classification Criteria Version 2. Collection method: clinical testing. Allele origin: germline. Affected: yes. Observed: 2 variant alleles.
Comment: TLL1: PS3:Supporting

OMIM
Classification: Pathogenic for ATRIAL SEPTAL DEFECT 6. Last evaluated: 2009-03-01. Review status: no assertion criteria provided. Collection method: literature only. Allele origin: germline. Not counted in ClinVar's aggregate classification.

Literature cited by the submitters: PubMed 18830233 (cited by OMIM).